The following is an entry in ClinVar:

ClinVar aggregate classification (germline): Uncertain significance (1 of 4 stars; one submission).

gnomAD v4.1: 9 of 1,584,066 alleles (0.00057%); highest among the groups gnomAD compares: South Asian, 0.0034%; no homozygotes.

Submission:

CeGaT Center for Human Genetics Tuebingen
Classification: Uncertain significance. Last evaluated: 2025-05-01. Review status: criteria provided, single submitter. Criteria: CeGaT Center For Human Genetics Tuebingen Variant Classification Criteria Version 2. Collection method: clinical testing. Allele origin: germline. Affected: yes. Observed: 1 variant allele.
Comment: PLEKHG2: PM2, BP4

NM_022835.3(PLEKHG2):c.323G>A (p.Arg108Gln)

Gene: PLEKHG2 (pleckstrin homology and RhoGEF domain containing G2; plus strand). Cytogenetic location: 19q13.2.
Variant type: single nucleotide variant.
Coding change: c.323G>A on transcript NM_022835.3 (MANE Select); coding-DNA position 323, G replaced by A.
Protein change: p.Arg108Gln; replaces arginine 108 with glutamine.
Molecular consequence: missense variant.
Genome position (GRCh38, 1-based): chr19:39,415,205, G>A. VCF-style: chr19-39415205-G-A. GRCh37 (hg19) VCF-style: chr19-39905845-G-A.
Other names: c.146G>A, p.Arg49Gln (NM_001351693.2); c.323G>A, p.Arg108Gln (NM_001351694.2); short protein forms R108Q, R49Q.
Identifiers: ClinVar variation 3905448 (VCV003905448.10).